The following is an entry in ClinVar:

ClinVar aggregate classification (germline): Uncertain significance (1 of 4 stars; one submission).

Conditions:
Hereditary cancer-predisposing syndrome. Also called: Neoplastic Syndromes, Hereditary; Tumor predisposition; Hereditary neoplastic syndrome; Hereditary Cancer Syndrome. Identifiers: Orphanet 140162, MedGen C0027672, MeSH D009386, MONDO:0015356.

Submission:

Ambry Genetics
Classification: Uncertain significance for Hereditary cancer-predisposing syndrome. Last evaluated: 2026-07-07. Review status: criteria provided, single submitter. Criteria: Ambry Variant Classification Scheme 2023. Collection method: clinical testing. Allele origin: germline.
Comment: The p.K242R variant (also known as c.725A>G), located in coding exon 1 of the AXIN2 gene, results from an A to G substitution at nucleotide position 725. The lysine at codon 242 is replaced by arginine, an amino acid with highly similar properties. This amino acid position is conserved. In addition, this alteration is predicted to be tolerated by in silico analysis. Based on the available evidence, the clinical significance of this variant remains unclear.

NM_004655.4(AXIN2):c.725A>G (p.Lys242Arg)

Gene: AXIN2 (axin 2; minus strand). Cytogenetic location: 17q24.1.
Variant type: single nucleotide variant.
Coding change: c.725A>G on transcript NM_004655.4 (MANE Select); coding-DNA position 725, A replaced by G.
Protein change: p.Lys242Arg; replaces lysine 242 with arginine.
Molecular consequence: missense variant.
Genome position (GRCh38, 1-based): chr17:65,557,896, T>C on the plus strand (A>G on the coding strand, the complement: AXIN2 is on the minus strand). VCF-style: chr17-65557896-T-C. GRCh37 (hg19) VCF-style: chr17-63554014-T-C.
Other names: c.725A>G, p.Lys242Arg (NM_001363813.1); short protein forms K242R.
Identifiers: ClinVar variation 5032649 (VCV005032649.1).